The following is an entry in ClinVar:

NM_020975.6(RET):c.1385C>T (p.Ser462Leu)

Gene: RET (ret proto-oncogene; plus strand). Cytogenetic location: 10q11.21.
Variant type: single nucleotide variant.
Coding change: c.1385C>T on transcript NM_020975.6 (MANE Select); coding-DNA position 1385, C replaced by T.
Protein change: p.Ser462Leu; replaces serine 462 with leucine.
Molecular consequence: missense variant.
Genome position (GRCh38, 1-based): chr10:43,111,328, C>T. VCF-style: chr10-43111328-C-T. GRCh37 (hg19) VCF-style: chr10-43606776-C-T.
Other names: c.1385C>T, p.Ser462Leu (NM_000323.2, NM_001406743.1, NM_001406744.1 and 6 more transcripts); c.623C>T, p.Ser208Leu (NM_001355216.2); c.1256C>T, p.Ser419Leu (NM_001406761.1, NM_001406762.1, NM_001406764.1 and 1 more transcripts); c.860C>T, p.Ser287Leu (NM_001406774.1); c.659C>T, p.Ser220Leu (NM_001406775.1, NM_001406776.1, NM_001406777.1 and 1 more transcripts); c.395C>T, p.Ser132Leu (NM_001406784.1); c.1097C>T, p.Ser366Leu (NM_001406766.1, NM_001406767.1, NM_001406770.1); c.989C>T, p.Ser330Leu (NM_001406769.1, NM_001406772.1); and 1 more; short protein forms S462L, S208L, S132L, S366L, S287L, S316L, S419L, S220L.
Identifiers: ClinVar variation 956150 (VCV000956150.17), dbSNP rs1313331250, ClinGen allele CA376549337.

ClinVar aggregate classification (germline): Conflicting classifications of pathogenicity. Review status: criteria provided, conflicting classifications (1 of 4 stars). 5 submissions from 5 submitters: Uncertain significance (4); Benign (1). Last evaluated 2025-05-19.

Conditions:
Hereditary cancer-predisposing syndrome. Also called: Hereditary Cancer Syndrome; Hereditary neoplastic syndrome; Tumor predisposition; Neoplastic Syndromes, Hereditary. Identifiers: Orphanet 140162, MedGen C0027672, MeSH D009386, MONDO:0015356.
Multiple endocrine neoplasia type 2B. Also called: Multiple endocrine neoplasia, type 3; MEN 2B; MULTIPLE ENDOCRINE NEOPLASIA, TYPE IIB; MUCOSAL NEUROMA SYNDROME; Multiple Endocrine Neoplasia Type 2B (MEN2B); MEN IIB. Identifiers: Orphanet 247709, Orphanet 653, MedGen C0025269, MeSH D018814, MONDO:0008082, OMIM 162300.
Hirschsprung disease, susceptibility to, 1 (HSCR1). Also called: RET-Related Hirschsprung Disease. Identifiers: Orphanet 388, MedGen C3888239, MONDO:0007723, OMIM 142623.
Pheochromocytoma. Also called: MAX-Related Hereditary Paraganglioma-Pheochromocytoma Syndrome. Identifiers: Orphanet 29072, MedGen C0031511, MONDO:0008233, OMIM 171300, HP:0002666.
Multiple endocrine neoplasia type 2A. Also called: MULTIPLE ENDOCRINE NEOPLASIA, TYPE IIA; PTC SYNDROME; SIPPLE SYNDROME; MEN 2A; MEN-2A syndrome; Pheochromocytoma and amyloid producing medullary thyroid carcinoma. Identifiers: Orphanet 247698, Orphanet 653, MedGen C0025268, MeSH D018813, MONDO:0008234, OMIM 171400.
Familial medullary thyroid carcinoma (MTC). Also called: Thyroid cancer, familial medullary; MTC, familial; Familial Medullary Thyroid Carcinoma (FMTC). Identifiers: Orphanet 653, Orphanet 99361, MedGen C1833921, MONDO:0007958, OMIM 155240.
Ovarian cancer. Also called: OVARIAN CANCER, SOMATIC. Identifiers: Orphanet 213500, MedGen C1140680, MONDO:0008170, OMIM 167000.
Multiple endocrine neoplasia, type 2 (MEN2). Identifiers: Orphanet 653, MedGen C4048306, MONDO:0019003. Disease mechanism: gain of function.

Allele frequency attached by ClinVar (database versions not stated): gnomAD exomes below 0.00001; TOPMed below 0.00001.
gnomAD v4.1: 3 of 1,614,136 alleles (0.00019%); highest among the groups gnomAD compares: South Asian, 0.0011%; no homozygotes.

Submissions (5):

Labcorp Genetics (formerly Invitae), Labcorp
Classification: Uncertain significance for Multiple endocrine neoplasia, type 2. Last evaluated: 2025-05-19. Review status: criteria provided, single submitter. Criteria: Invitae Variant Classification Sherloc (09022015). Collection method: clinical testing. Allele origin: germline.
Comment: This sequence change replaces serine, which is neutral and polar, with leucine, which is neutral and non-polar, at codon 462 of the RET protein (p.Ser462Leu). This variant is not present in population databases (gnomAD no frequency). This variant has not been reported in the literature in individuals affected with RET-related conditions. ClinVar contains an entry for this variant (Variation ID: 956150). An algorithm developed to predict the effect of missense changes on protein structure and function (PolyPhen-2) suggests that this variant is likely to be tolerated. In summary, the available evidence is currently insufficient to determine the role of this variant in disease. Therefore, it has been classified as a Variant of Uncertain Significance.

Ambry Genetics
Classification: Uncertain significance for Hereditary cancer-predisposing syndrome. Last evaluated: 2024-07-05. Review status: criteria provided, single submitter. Criteria: Ambry Variant Classification Scheme 2023. Collection method: clinical testing. Allele origin: germline.
Comment: The p.S462L variant (also known as c.1385C>T), located in coding exon 7 of the RET gene, results from a C to T substitution at nucleotide position 1385. The serine at codon 462 is replaced by leucine, an amino acid with dissimilar properties. This amino acid position is not well conserved in available vertebrate species. In addition, this alteration is predicted to be tolerated by in silico analysis. Based on the available evidence, the clinical significance of this variant remains unclear.

All of Us Research Program, National Institutes of Health
Classification: Uncertain significance for Multiple endocrine neoplasia, type 2. Last evaluated: 2023-12-01. Review status: criteria provided, single submitter. Criteria: ACMG Guidelines, 2015. Collection method: clinical testing. Allele origin: germline. Inheritance: Autosomal dominant inheritance. Observed: 2 variant alleles, 2 heterozygotes.
Comment: This study involves interpretation of variants in research participants for the purpose of population health screening. Participant phenotype was not available at the time of variant classification. Additional details can be found in publication PMID: 35346344, PMCID: PMC8962531

Laboratory of Molecular Epidemiology of Birth Defects, West China Second University Hospital, Sichuan University
Classification: Benign for Ovarian cancer. Last evaluated: 2022-01-01. Review status: criteria provided, single submitter. Criteria: ACMG Guidelines, 2015. Collection method: clinical testing. Allele origin: germline. Affected: yes.

Fulgent Genetics
Classification: Uncertain significance for Hirschsprung disease, susceptibility to, 1; Familial medullary thyroid carcinoma; Multiple endocrine neoplasia type 2B; Pheochromocytoma; Multiple endocrine neoplasia type 2A. Last evaluated: 2021-10-12. Review status: criteria provided, single submitter. Criteria: ACMG Guidelines, 2015. Collection method: clinical testing. Allele origin: unknown.